The following is an entry in ClinVar:

NM_006254.4(PRKCD):c.1415+5G>A

Gene: PRKCD (protein kinase C delta; plus strand). Cytogenetic location: 3p21.1.
Variant type: single nucleotide variant.
Coding change: c.1415+5G>A on transcript NM_006254.4 (MANE Select); 5 bases into the intron after coding-DNA position 1415, G replaced by A.
Molecular consequence: intron variant.
Genome position (GRCh38, 1-based): chr3:53,187,407, G>A. VCF-style: chr3-53187407-G-A. GRCh37 (hg19) VCF-style: chr3-53221423-G-A.
Other names: c.1415+5G>A (NM_001354679.2, NM_212539.2, NM_001316327.2 and 1 more transcripts); c.1472+5G>A (NM_001354676.2); c.1463+5G>A (NM_001354678.2).
Identifiers: ClinVar variation 2716856 (VCV002716856.3), dbSNP rs1296260334, ClinGen allele CA542921125.
Genomic context (GRCh38, chr3:53,187,407, plus strand): 5'-GCCGCTGAGATAATGTGTGGACTGCAGTTTCTACACAGCAAGGGCATCATTTACAGGTGC[G>A]GGGGTGAGGGCAGCGGGGGCTCTTGGGAGGGGAGGCTCCAGCCCCATCATATCTTCTGAA-3'

ClinVar aggregate classification (germline): Uncertain significance (1 of 4 stars; one submission).

Conditions:
Autoimmune lymphoproliferative syndrome, type III caused by mutation in PRKCD. Identifiers: Orphanet 3261, Orphanet 664711, MedGen C3809928, MONDO:8000024, OMIM 615559.

Allele frequency attached by ClinVar (database versions not stated): gnomAD exomes below 0.00001; gnomAD 0.00001; TOPMed 0.00003.
gnomAD v4.1: 8 of 1,613,728 alleles (0.0005%); highest among the groups gnomAD compares: African/African-American, 0.0027%; no homozygotes.

Submission:

Labcorp Genetics (formerly Invitae), Labcorp
Classification: Uncertain significance for Autoimmune lymphoproliferative syndrome, type III caused by mutation in PRKCD. Last evaluated: 2024-11-05. Review status: criteria provided, single submitter. Criteria: Invitae Variant Classification Sherloc (09022015). Collection method: clinical testing. Allele origin: germline.
Comment: This sequence change falls in intron 15 of the PRKCD gene. It does not directly change the encoded amino acid sequence of the PRKCD protein. It affects a nucleotide within the consensus splice site. This variant is present in population databases (no rsID available, gnomAD 0.003%). This variant has not been reported in the literature in individuals affected with PRKCD-related conditions. ClinVar contains an entry for this variant (Variation ID: 2716856). Variants that disrupt the consensus splice site are a relatively common cause of aberrant splicing (PMID: 17576681, 9536098). Algorithms developed to predict the effect of sequence changes on RNA splicing suggest that this variant may disrupt the consensus splice site. In summary, the available evidence is currently insufficient to determine the role of this variant in disease. Therefore, it has been classified as a Variant of Uncertain Significance.

Literature cited by the submitters: PubMed 17576681; PubMed 9536098.